The following is an entry in ClinVar:

NM_003482.4(KMT2D):c.5756C>T (p.Thr1919Met)

Gene: KMT2D (lysine methyltransferase 2D; minus strand). Cytogenetic location: 12q13.12.
Variant type: single nucleotide variant.
Coding change: c.5756C>T on transcript NM_003482.4 (MANE Select); coding-DNA position 5756, C replaced by T.
Protein change: p.Thr1919Met; replaces threonine 1919 with methionine.
Molecular consequence: missense variant.
Genome position (GRCh38, 1-based): chr12:49,042,767, G>A on the plus strand (C>T on the coding strand, the complement: KMT2D is on the minus strand). VCF-style: chr12-49042767-G-A. GRCh37 (hg19) VCF-style: chr12-49436550-G-A.
Other names: short protein forms T1919M.
Identifiers: ClinVar variation 2065890 (VCV002065890.5), dbSNP rs200741577, ClinGen allele CA236612667.

ClinVar aggregate classification (germline): Conflicting classifications of pathogenicity. Review status: criteria provided, conflicting classifications (1 of 4 stars). 2 submissions from 2 submitters: Uncertain significance (1); Likely benign (1). Last evaluated 2025-04-29.

Conditions:
KMT2D-related disorder. Also called: KMT2D-Related Disorders.
Kabuki syndrome. Also called: Kabuki make-up syndrome; NIIKAWA-KUROKI SYNDROME. Identifiers: Orphanet 2322, MedGen C0796004, MONDO:0016512.

Allele frequency attached by ClinVar (database versions not stated): TOPMed below 0.00001; gnomAD 0.00001.
gnomAD v4.1: 5 of 1,613,776 alleles (0.00031%); highest among the groups gnomAD compares: Non-Finnish European, 0.00042%; no homozygotes.

Submissions (2):

Labcorp Genetics (formerly Invitae), Labcorp
Classification: Likely benign for Kabuki syndrome. Last evaluated: 2025-04-29. Review status: criteria provided, single submitter. Criteria: Invitae Variant Classification Sherloc (09022015). Collection method: clinical testing. Allele origin: germline.

PreventionGenetics, part of Exact Sciences
Classification: Uncertain significance for KMT2D-related condition. Last evaluated: 2023-03-30. Review status: criteria provided, single submitter. Criteria: ACMG Guidelines, 2015. Collection method: clinical testing. Allele origin: germline.
Comment: The KMT2D c.5756C>T variant is predicted to result in the amino acid substitution p.Thr1919Met. To our knowledge, this variant has not been reported in the literature. This variant is reported in 0.00078% of alleles in individuals of European (Non-Finnish) descent in gnomAD. At this time, the clinical significance of this variant is uncertain due to the absence of conclusive functional and genetic evidence.